The following is an entry in ClinVar:

ClinVar aggregate classification (germline): Pathogenic (1 of 4 stars; one submission).

Conditions:
Cranioectodermal dysplasia 1 (CED1). Also called: LEVIN SYNDROME I. Identifiers: Orphanet 1515, MedGen C0432235, MONDO:0021093, OMIM 218330.

Submission:

Labcorp Genetics (formerly Invitae), Labcorp
Classification: Pathogenic for Cranioectodermal dysplasia 1. Last evaluated: 2022-09-24. Review status: criteria provided, single submitter. Criteria: Invitae Variant Classification Sherloc (09022015). Collection method: clinical testing. Allele origin: germline.
Comment: This variant is not present in population databases (gnomAD no frequency). This variant has not been reported in the literature in individuals affected with IFT122-related conditions. This sequence change creates a premature translational stop signal (p.Trp93*) in the IFT122 gene. It is expected to result in an absent or disrupted protein product. Loss-of-function variants in IFT122 are known to be pathogenic (PMID: 20493458, 23826986, 26792575). For these reasons, this variant has been classified as Pathogenic. Algorithms developed to predict the effect of sequence changes on RNA splicing suggest that this variant may disrupt the consensus splice site.

Literature cited by the submitters: PubMed 20493458; PubMed 23826986; PubMed 26792575.

NM_052989.3(IFT122):c.273-374_273-369dup

Gene: IFT122 (intraflagellar transport 122; plus strand). Cytogenetic location: 3q21.3.
Variant type: Duplication.
Coding change: c.273-374_273-369dup on transcript NM_052989.3 (MANE Select); 374 bases into the intron before coding-DNA position 273 through 369 bases into the intron before coding-DNA position 273, 6 bases duplicated (ATCTTG; older notation c.273-374_273-369dupATCTTG).
Molecular consequence: intron variant.
Genome position (GRCh38, 1-based): chr3:129,460,854-129,460,859, ATCTTG duplicated; duplicating any 6 consecutive bases within chr3:129,460,853-129,460,859 gives the same sequence; the c. name uses the placement nearest the transcript's 3' end. VCF-style (leftmost placement, unchanged base first): chr3-129460852-A-AGATCTT. GRCh37 (hg19) VCF-style: chr3-129179695-A-AGATCTT.
Other names: c.-178-374_-178-369dup (NM_001280545.2, NM_001280546.2); c.273-374_273-369dup (NM_018262.4); c.194-2706_194-2701dup (NM_052990.3).
Identifiers: ClinVar variation 2017547 (VCV002017547.4), dbSNP rs2076139894, ClinGen allele CA1053438301.